The following is an entry in ClinVar:

ClinVar aggregate classification (germline): Uncertain significance (1 of 4 stars; one submission).

Submission:

Labcorp Genetics (formerly Invitae), Labcorp
Classification: Uncertain significance. Last evaluated: 2024-11-12. Review status: criteria provided, single submitter. Criteria: Invitae Variant Classification Sherloc (09022015). Collection method: clinical testing. Allele origin: germline.
Comment: This sequence change replaces alanine, which is neutral and non-polar, with threonine, which is neutral and polar, at codon 939 of the POLE protein (p.Ala939Thr). This variant is not present in population databases (gnomAD no frequency). This variant has not been reported in the literature in individuals affected with POLE-related conditions. Invitae Evidence Modeling of protein sequence and biophysical properties (such as structural, functional, and spatial information, amino acid conservation, physicochemical variation, residue mobility, and thermodynamic stability) indicates that this missense variant is expected to disrupt POLE protein function with a positive predictive value of 80%. In summary, the available evidence is currently insufficient to determine the role of this variant in disease. Therefore, it has been classified as a Variant of Uncertain Significance.

NM_006231.4(POLE):c.2815G>A (p.Ala939Thr)

Gene: POLE (DNA polymerase epsilon, catalytic subunit; minus strand). Cytogenetic location: 12q24.33.
Variant type: single nucleotide variant.
Coding change: c.2815G>A on transcript NM_006231.4 (MANE Select); coding-DNA position 2815, G replaced by A.
Protein change: p.Ala939Thr; replaces alanine 939 with threonine.
Molecular consequence: missense variant.
Genome position (GRCh38, 1-based): chr12:132,661,576, C>T on the plus strand (G>A on the coding strand, the complement: POLE is on the minus strand). VCF-style: chr12-132661576-C-T. GRCh37 (hg19) VCF-style: chr12-133238162-C-T.
Other names: short protein forms A939T.
Identifiers: ClinVar variation 3708634 (VCV003708634.2).